The following is an entry in ClinVar:

NM_001005498.4(RHBDF2):c.2166C>A (p.Asn722Lys)

Gene: RHBDF2 (rhomboid 5 homolog 2; minus strand). Cytogenetic location: 17q25.1.
Variant type: single nucleotide variant.
Coding change: c.2166C>A on transcript NM_001005498.4 (MANE Select); coding-DNA position 2166, C replaced by A.
Protein change: p.Asn722Lys; replaces asparagine 722 with lysine.
Molecular consequence: missense variant. On other transcripts: non-coding transcript variant (3).
Genome position (GRCh38, 1-based): chr17:76,471,951, G>T on the plus strand (C>A on the coding strand, the complement: RHBDF2 is on the minus strand). VCF-style: chr17-76471951-G-T. GRCh37 (hg19) VCF-style: chr17-74468033-G-T.
Other names: c.2166C>A, p.Asn722Lys (NM_001376228.1, NM_001376229.1, NM_001376230.1); c.2253C>A, p.Asn751Lys (NM_024599.5); short protein forms N722K, N751K.
Identifiers: ClinVar variation 997609 (VCV000997609.7), dbSNP rs150984603, ClinGen allele CA8786715.

ClinVar aggregate classification (germline): Conflicting classifications of pathogenicity. Review status: criteria provided, conflicting classifications (1 of 4 stars). 3 submissions from 3 submitters: Uncertain significance (2); Likely benign (1). Last evaluated 2026-02-03.

Conditions:
Inborn genetic diseases. Identifiers: MedGen C0950123, MeSH D030342.
Palmoplantar keratoderma-esophageal carcinoma syndrome (TOC). Also called: PALMOPLANTAR KERATODERMA WITH ESOPHAGEAL CANCER; KERATOSIS PALMARIS ET PLANTARIS WITH ESOPHAGEAL CANCER; Tylosis with Esophageal Cancer. Identifiers: Orphanet 2198, MedGen C1835664, MONDO:0007856, OMIM 148500.

Allele frequency attached by ClinVar (database versions not stated): gnomAD 0.00045 and 0.00044; 1000 Genomes Project 30x 0.00047; ExAC 0.00030; TOPMed 0.00037; gnomAD exomes 0.00002 and 0.00009; 1000 Genomes Project 0.00060; ESP Exome Variant Server 0.00062.
gnomAD v4.1: 98 of 1,570,926 alleles (0.0062%); highest among the groups gnomAD compares: African/African-American, 0.13%; no homozygotes.

Submissions (3):

Labcorp Genetics (formerly Invitae), Labcorp
Classification: Likely benign. Last evaluated: 2026-02-03. Review status: criteria provided, single submitter. Criteria: Invitae Variant Classification Sherloc (09022015). Collection method: clinical testing. Allele origin: germline.

Ambry Genetics
Classification: Uncertain significance for Inborn genetic diseases. Last evaluated: 2025-08-01. Review status: criteria provided, single submitter. Criteria: Ambry Variant Classification Scheme 2023. Collection method: clinical testing. Allele origin: germline.

Baylor Genetics
Classification: Uncertain significance for Palmoplantar keratoderma-esophageal carcinoma syndrome. Last evaluated: 2019-09-10. Review status: criteria provided, single submitter. Criteria: ACMG Guidelines, 2015. Collection method: clinical testing. Allele origin: unknown. Affected: yes. Study: CSER-TexasKidsCanSeq.
Comment: This variant was determined to be of uncertain significance according to ACMG Guidelines, 2015 [PMID:25741868].